The following is an entry in ClinVar:

ClinVar aggregate classification (germline): Likely benign (1 of 4 stars; one submission).

Submission:

CeGaT Center for Human Genetics Tuebingen
Classification: Likely benign. Last evaluated: 2025-08-01. Review status: criteria provided, single submitter. Criteria: CeGaT Center For Human Genetics Tuebingen Variant Classification Criteria Version 2. Collection method: clinical testing. Allele origin: germline. Affected: yes. Observed: 1 variant allele.
Comment: NBEAL1: BP4, BS2

NM_001378026.1(NBEAL1):c.2996C>T (p.Thr999Ile)

Gene: NBEAL1 (neurobeachin like 1; plus strand). Cytogenetic location: 2q33.2.
Variant type: single nucleotide variant.
Coding change: c.2996C>T on transcript NM_001378026.1 (MANE Select); coding-DNA position 2996, C replaced by T.
Protein change: p.Thr999Ile; replaces threonine 999 with isoleucine.
Molecular consequence: missense variant.
Genome position (GRCh38, 1-based): chr2:203,126,567, C>T. VCF-style: chr2-203126567-C-T. GRCh37 (hg19) VCF-style: chr2-203991290-C-T.
Other names: c.2909C>T, p.Thr970Ile (NM_001114132.2); short protein forms T970I, T999I.
Identifiers: ClinVar variation 4084057 (VCV004084057.8).